The following is an entry in ClinVar:

NM_153741.2(DPM3):c.257C>A (p.Ala86Asp)

Gene: DPM3 (dolichyl-phosphate mannosyltransferase subunit 3, regulatory; minus strand). Cytogenetic location: 1q22.
Variant type: single nucleotide variant.
Coding change: c.257C>A on transcript NM_153741.2 (MANE Select); coding-DNA position 257, C replaced by A.
Protein change: p.Ala86Asp; replaces alanine 86 with aspartic acid.
Molecular consequence: missense variant.
Genome position (GRCh38, 1-based): chr1:155,139,984, G>T on the plus strand (C>A on the coding strand, the complement: DPM3 is on the minus strand). VCF-style: chr1-155139984-G-T. GRCh37 (hg19) VCF-style: chr1-155112460-G-T.
Other names: c.257C>A (NM_153741.1); c.347C>A, p.Ala116Asp (NM_018973.4); short protein forms A116D, A86D.
Identifiers: ClinVar variation 1004176 (VCV001004176.15), dbSNP rs752119871, ClinGen allele CA1138401.
Genomic context (GRCh38, chr1:155,139,984, plus strand): 5'-GGAGGAAGGGCTGTCCGCACAGGAATGGGGTTAGGCTGTCAGAAGCGCAGCCCCCTGCGG[G>T]CTAAGTCGGCTCGGGCCTCCTGTATCTGGCTCTGCAGCTCGCGTGCGGCGTCCTCGCAGT-3'
Protein context (NP_714963.1, residues 76-92): SQIQEARADL[Ala86Asp]RRGLRF

ClinVar aggregate classification (germline): Uncertain significance. Review status: criteria provided, multiple submitters, no conflicts (2 of 4 stars). 2 submissions from 2 submitters: Uncertain significance (2). Last evaluated 2022-07-05.

Conditions:
DPM3-congenital disorder of glycosylation (MDDGC15). Also called: DPM3-CDG; CDG Io; CDG1(DPM3); MUSCULAR DYSTROPHY-DYSTROGLYCANOPATHY (LIMB-GIRDLE), TYPE C, 15. Identifiers: Orphanet 263494, MedGen C2752007, MONDO:0013049, OMIM 612937.

Allele frequency attached by ClinVar (database versions not stated): gnomAD below 0.00001 and 0.00001; gnomAD exomes below 0.00001; ExAC 0.00001.

Submissions (2):

Labcorp Genetics (formerly Invitae), Labcorp
Classification: Uncertain significance for DPM3-congenital disorder of glycosylation. Last evaluated: 2022-07-05. Review status: criteria provided, single submitter. Criteria: Invitae Variant Classification Sherloc (09022015). Collection method: clinical testing. Allele origin: germline.
Comment: This sequence change replaces alanine, which is neutral and non-polar, with aspartic acid, which is acidic and polar, at codon 86 of the DPM3 protein (p.Ala86Asp). The frequency data for this variant in the population databases is considered unreliable, as metrics indicate poor data quality at this position in the gnomAD database. This variant has not been reported in the literature in individuals affected with DPM3-related conditions. ClinVar contains an entry for this variant (Variation ID: 1004176). Algorithms developed to predict the effect of missense changes on protein structure and function (SIFT, PolyPhen-2, Align-GVGD) all suggest that this variant is likely to be tolerated. In summary, the available evidence is currently insufficient to determine the role of this variant in disease. Therefore, it has been classified as a Variant of Uncertain Significance.

Revvity Omics, Revvity
Classification: Uncertain significance. Last evaluated: 2019-06-24. Review status: criteria provided, single submitter. Criteria: ACMG Guidelines, 2015. Collection method: clinical testing. Allele origin: germline.